The following is an entry in ClinVar:

NM_005732.4(RAD50):c.1157G>A (p.Gly386Glu)

Gene: RAD50 (RAD50 double strand break repair protein; plus strand). Cytogenetic location: 5q31.1.
Variant type: single nucleotide variant.
Coding change: c.1157G>A on transcript NM_005732.4 (MANE Select); coding-DNA position 1157, G replaced by A.
Protein change: p.Gly386Glu; replaces glycine 386 with glutamic acid.
Molecular consequence: missense variant.
Genome position (GRCh38, 1-based): chr5:132,588,792, G>A. VCF-style: chr5-132588792-G-A. GRCh37 (hg19) VCF-style: chr5-131924484-G-A.
Other names: short protein forms G386E.
Identifiers: ClinVar variation 1721592 (VCV001721592.6), dbSNP rs2149841125, ClinGen allele CA360942720.

ClinVar aggregate classification (germline): Uncertain significance (1 of 4 stars; one submission).

Conditions:
Hereditary cancer-predisposing syndrome. Also called: Hereditary neoplastic syndrome; Neoplastic Syndromes, Hereditary; Hereditary Cancer Syndrome; Tumor predisposition. Identifiers: Orphanet 140162, MedGen C0027672, MeSH D009386, MONDO:0015356.

Submission:

Labcorp Genetics (formerly Invitae), Labcorp
Classification: Uncertain significance for Hereditary cancer-predisposing syndrome. Last evaluated: 2022-10-20. Review status: criteria provided, single submitter. Criteria: Invitae Variant Classification Sherloc (09022015). Collection method: clinical testing. Allele origin: germline.
Comment: In summary, the available evidence is currently insufficient to determine the role of this variant in disease. Therefore, it has been classified as a Variant of Uncertain Significance. Advanced modeling of protein sequence and biophysical properties (such as structural, functional, and spatial information, amino acid conservation, physicochemical variation, residue mobility, and thermodynamic stability) performed at Invitae indicates that this missense variant is not expected to disrupt RAD50 protein function. This sequence change replaces glycine, which is neutral and non-polar, with glutamic acid, which is acidic and polar, at codon 386 of the RAD50 protein (p.Gly386Glu). This variant is not present in population databases (gnomAD no frequency). This variant has not been reported in the literature in individuals affected with RAD50-related conditions.